The following is an entry in ClinVar:

ClinVar aggregate classification (germline): Likely benign. Review status: criteria provided, multiple submitters, no conflicts (2 of 4 stars). 4 submissions from 4 submitters: Likely benign (3). 1 of the submissions does not count toward it. Last evaluated 2025-08-01.

Conditions:
Spastic paraplegia. Identifiers: MedGen C0037772, HP:0001258.
KIF5A-related disorder. Also called: KIF5A-related disorders; KIF5A-related condition.

Allele frequency attached by ClinVar (database versions not stated): ESP Exome Variant Server 0.00008; ExAC 0.00002; gnomAD 0.00003; gnomAD exomes 0.00003; TOPMed 0.00003.
gnomAD v4.1: 34 of 1,609,576 alleles (0.0021%); highest among the groups gnomAD compares: Middle Eastern, 0.033%; no homozygotes.

Submissions (4):

CeGaT Center for Human Genetics Tuebingen
Classification: Likely benign. Last evaluated: 2025-08-01. Review status: criteria provided, single submitter. Criteria: CeGaT Center For Human Genetics Tuebingen Variant Classification Criteria Version 2. Collection method: clinical testing. Allele origin: germline. Affected: yes. Observed: 1 variant allele.
Comment: KIF5A: BP4, BS2

Labcorp Genetics (formerly Invitae), Labcorp
Classification: Likely benign for Spastic paraplegia. Last evaluated: 2025-05-31. Review status: criteria provided, single submitter. Criteria: Invitae Variant Classification Sherloc (09022015). Collection method: clinical testing. Allele origin: germline.

Blueprint Genetics
Classification: Likely benign. Last evaluated: 2024-10-11. Review status: criteria provided, single submitter. Criteria: ACMG Guidelines, 2015. Collection method: clinical testing. Allele origin: germline.

PreventionGenetics, part of Exact Sciences
Classification: Likely benign for KIF5A-related condition. Last evaluated: 2023-12-04. Review status: no assertion criteria provided. Collection method: clinical testing. Allele origin: germline. Not counted in ClinVar's aggregate classification.
Comment: This variant is classified as likely benign based on ACMG/AMP sequence variant interpretation guidelines (Richards et al. 2015 PMID: 25741868, with internal and published modifications).

NM_004984.4(KIF5A):c.292-6C>T

Gene: KIF5A (kinesin family member 5A; plus strand). Cytogenetic location: 12q13.3.
Variant type: single nucleotide variant.
Coding change: c.292-6C>T on transcript NM_004984.4 (MANE Select); 6 bases into the intron before coding-DNA position 292, C replaced by T.
Molecular consequence: intron variant.
Genome position (GRCh38, 1-based): chr12:57,564,102, C>T. VCF-style: chr12-57564102-C-T. GRCh37 (hg19) VCF-style: chr12-57957885-C-T.
Other names: c.130-358C>T (NM_001354705.2); c.292-6C>T (NM_004984.2).
Identifiers: ClinVar variation 1160696 (VCV001160696.19), dbSNP rs369913032, ClinGen allele CA6652559.
Genomic context (GRCh38, chr12:57,564,102, plus strand): 5'-CATACATCTGAGTTGTCTCATTCTCCCTGAGCCCCAGCTTCACTCTCAAATACCTTCACT[C>T]GCCAGGGAAAGCTGCACGACCCTCAGCTGATGGGAATCATTCCTCGAATTGCCCGAGACA-3'